The following is an entry in ClinVar:

ClinVar aggregate classification (germline): Uncertain significance (1 of 4 stars; one submission).

Submission:

Labcorp Genetics (formerly Invitae), Labcorp
Classification: Uncertain significance. Last evaluated: 2022-03-19. Review status: criteria provided, single submitter. Criteria: Invitae Variant Classification Sherloc (09022015). Collection method: clinical testing. Allele origin: germline.
Comment: This variant is not present in population databases (gnomAD no frequency). This sequence change replaces methionine, which is neutral and non-polar, with valine, which is neutral and non-polar, at codon 1532 of the RERE protein (p.Met1532Val). This variant has not been reported in the literature in individuals affected with RERE-related conditions. In summary, the available evidence is currently insufficient to determine the role of this variant in disease. Therefore, it has been classified as a Variant of Uncertain Significance. Algorithms developed to predict the effect of missense changes on protein structure and function are either unavailable or do not agree on the potential impact of this missense change (SIFT: "Tolerated"; PolyPhen-2: "Not Available"; Align-GVGD: "Class C0").

NM_001042681.2(RERE):c.4594A>G (p.Met1532Val)

Gene: RERE (arginine-glutamic acid dipeptide repeats; minus strand). Cytogenetic location: 1p36.23.
Variant type: single nucleotide variant.
Coding change: c.4594A>G on transcript NM_001042681.2 (MANE Select); coding-DNA position 4594, A replaced by G.
Protein change: p.Met1532Val; replaces methionine 1532 with valine.
Molecular consequence: missense variant.
Genome position (GRCh38, 1-based): chr1:8,355,492, T>C on the plus strand (A>G on the coding strand, the complement: RERE is on the minus strand). VCF-style: chr1-8355492-T-C. GRCh37 (hg19) VCF-style: chr1-8415552-T-C.
Other names: c.2932A>G, p.Met978Val (NM_001042682.2); c.4594A>G, p.Met1532Val (NM_012102.4); short protein forms M1532V, M978V.
Identifiers: ClinVar variation 2114186 (VCV002114186.4), dbSNP rs1641253006, ClinGen allele CA338168148.